The following is an entry in ClinVar:

ClinVar aggregate classification (germline): Uncertain significance (1 of 4 stars; one submission).

Conditions:
Proline dehydrogenase deficiency (HYRPRO1). Also called: PROLINE OXIDASE DEFICIENCY; Hyperprolinemia type 1. Identifiers: Orphanet 419, MedGen C0268529, MONDO:0009400, OMIM 239500.

Submission:

Labcorp Genetics (formerly Invitae), Labcorp
Classification: Uncertain significance for Proline dehydrogenase deficiency. Last evaluated: 2025-01-20. Review status: criteria provided, single submitter. Criteria: Invitae Variant Classification Sherloc (09022015). Collection method: clinical testing. Allele origin: germline.
Comment: This sequence change replaces leucine, which is neutral and non-polar, with phenylalanine, which is neutral and non-polar, at codon 79 of the PRODH protein (p.Leu79Phe). The frequency data for this variant in the population databases is considered unreliable, as metrics indicate poor data quality at this position in the gnomAD database. This variant has not been reported in the literature in individuals affected with PRODH-related conditions. ClinVar contains an entry for this variant (Variation ID: 966136). An algorithm developed to predict the effect of missense changes on protein structure and function (PolyPhen-2) suggests that this variant is likely to be disruptive. In summary, the available evidence is currently insufficient to determine the role of this variant in disease. Therefore, it has been classified as a Variant of Uncertain Significance.

NM_016335.6(PRODH):c.237G>C (p.Leu79Phe)

Gene: PRODH (proline dehydrogenase 1; minus strand). Cytogenetic location: 22q11.21.
Variant type: single nucleotide variant.
Coding change: c.237G>C on transcript NM_016335.6 (MANE Select); coding-DNA position 237, G replaced by C.
Protein change: p.Leu79Phe; replaces leucine 79 with phenylalanine.
Molecular consequence: missense variant. On other transcripts: intron variant (1).
Genome position (GRCh38, 1-based): chr22:18,936,051, C>G on the plus strand (G>C on the coding strand, the complement: PRODH is on the minus strand). VCF-style: chr22-18936051-C-G. GRCh37 (hg19) VCF-style: chr22-18923564-C-G.
Other names: c.-52+339G>C (NM_001195226.2); short protein forms L79F.
Identifiers: ClinVar variation 966136 (VCV000966136.8), dbSNP rs2008733, ClinGen allele CA321322586.